The following is an entry in ClinVar:

NM_213599.3(ANO5):c.1261C>T (p.Gln421Ter)

Gene: ANO5 (anoctamin 5; plus strand). Cytogenetic location: 11p14.3.
Variant type: single nucleotide variant.
Coding change: c.1261C>T on transcript NM_213599.3 (MANE Select); coding-DNA position 1261, C replaced by T.
Protein change: p.Gln421Ter; replaces glutamine 421 with a stop codon.
Molecular consequence: nonsense.
Genome position (GRCh38, 1-based): chr11:22,255,451, C>T. VCF-style: chr11-22255451-C-T. GRCh37 (hg19) VCF-style: chr11-22276997-C-T.
Other names: NM_001142649.1:c.1258C>T(p.Gln420Ter); NM_213599.2:c.1261C>T(p.Gln421Ter); c.1258C>T, p.Gln420Ter (NM_001142649.2); short protein forms Q421*, Q420*.
Identifiers: ClinVar variation 549501 (VCV000549501.2), dbSNP rs1554930314, ClinGen allele CA379921533.

ClinVar aggregate classification (germline): Likely pathogenic. Review status: criteria provided, multiple submitters, no conflicts (2 of 4 stars). 2 submissions from 2 submitters: Likely pathogenic (2). Last evaluated 2021-08-06.

Conditions:
ANO5-related disorder. Also called: ANO5-related disorders; ANO5-related condition. Identifiers: MedGen CN239193.
Autosomal recessive limb-girdle muscular dystrophy type 2L (LGMDR12). Also called: Limb-girdle muscular dystrophy, type 2L; MUSCULAR DYSTROPHY, LIMB-GIRDLE, AUTOSOMAL RECESSIVE 12; Limb-Girdle Muscular Dystrophy R12 Anoctamin-5-Related (LGMD-R12). Identifiers: Orphanet 206549, MedGen C1969785, MONDO:0012652, OMIM 611307.

Allele frequency attached by ClinVar (database versions not stated): gnomAD exomes below 0.00001.
gnomAD v4.1: 2 of 1,613,404 alleles (0.00012%); highest among the groups gnomAD compares: Non-Finnish European, 0.00017%; no homozygotes.

Submissions (2):

Blueprint Genetics
Classification: Likely pathogenic for ANO5-related disorders. Last evaluated: 2021-08-06. Review status: criteria provided, single submitter. Criteria: ACMG Guidelines, 2015. Collection method: clinical testing. Allele origin: germline. Affected: yes. Observed: 1 variant allele.

SIB Swiss Institute of Bioinformatics
Classification: Likely pathogenic for Autosomal recessive limb-girdle muscular dystrophy type 2L. Last evaluated: 2018-04-16. Review status: criteria provided, single submitter. Criteria: ACMG Guidelines, 2015. Collection method: curation. Allele origin: germline.
Comment: This variant is interpreted as a Likely Pathogenic, for Limb-girdle muscular dystrophy 2L, Autosomal Recessive inheritance. The following ACMG Tag(s) were applied: PM2 => Absent from controls (or at extremely low frequency if recessive) in Exome Sequencing Project, 1000 Genomes Project, or Exome Aggregation Consortium. PP3 => Multiple lines of computational evidence support a deleterious effect on the gene or gene product. PVS1-Strong => PVS1 downgraded in strength to Strong.

Literature cited by the submitters: PubMed 25891276 (cited by SIB Swiss Institute of Bioinformatics).